The following is an entry in ClinVar:

ClinVar aggregate classification (germline): Uncertain significance (1 of 4 stars; one submission).

gnomAD v4.1: 13 of 1,609,902 alleles (0.00081%); highest among the groups gnomAD compares: African/African-American, 0.0013%; no homozygotes.

Submission:

Ambry Genetics
Classification: Uncertain significance. Last evaluated: 2024-12-20. Review status: criteria provided, single submitter. Criteria: Ambry Variant Classification Scheme 2023. Collection method: clinical testing. Allele origin: germline.
Comment: The p.P796T variant (also known as c.2386C>A), located in coding exon 11 of the WNK2 gene, results from a C to A substitution at nucleotide position 2386. The proline at codon 796 is replaced by threonine, an amino acid with highly similar properties. This amino acid position is conserved. In addition, the in silico prediction for this alteration is inconclusive. Based on the available evidence, the clinical significance of this variant remains unclear.

NM_006648.4(WNK2):c.2386C>A (p.Pro796Thr)

Gene: WNK2 (WNK lysine deficient protein kinase 2; plus strand). Cytogenetic location: 9q22.31.
Variant type: single nucleotide variant.
Coding change: c.2386C>A on transcript NM_006648.4 (MANE Select); coding-DNA position 2386, C replaced by A.
Protein change: p.Pro796Thr; replaces proline 796 with threonine.
Molecular consequence: missense variant.
Genome position (GRCh38, 1-based): chr9:93,258,934, C>A. VCF-style: chr9-93258934-C-A. GRCh37 (hg19) VCF-style: chr9-96021216-C-A.
Other names: c.2386C>A, p.Pro796Thr (NM_001282394.3); short protein forms P796T.
Identifiers: ClinVar variation 3816573 (VCV003816573.1).